The following is an entry in ClinVar:

ClinVar aggregate classification (germline): Uncertain significance (1 of 4 stars; one submission).

Conditions:
Developmental and epileptic encephalopathy, 9 (DEE9). Also called: JUBERG-HELLMAN SYNDROME; PCDH19-Related X-Linked Female-Limited Epilepsy with Mental Retardation; Early infantile epileptic encephalopathy 9; EPILEPSY, FEMALE-RESTRICTED, WITH MENTAL RETARDATION. Identifiers: Orphanet 101039, Orphanet 2076, MedGen C1848137, MONDO:0010246, OMIM 300088. Disease mechanism: loss of function.

Submission:

Labcorp Genetics (formerly Invitae), Labcorp
Classification: Uncertain significance for Developmental and epileptic encephalopathy, 9. Last evaluated: 2023-12-23. Review status: criteria provided, single submitter. Criteria: Invitae Variant Classification Sherloc (09022015). Collection method: clinical testing. Allele origin: germline.
Comment: This sequence change replaces proline, which is neutral and non-polar, with leucine, which is neutral and non-polar, at codon 494 of the PCDH19 protein (p.Pro494Leu). This variant is not present in population databases (gnomAD no frequency). This variant has not been reported in the literature in individuals affected with PCDH19-related conditions. Advanced modeling of protein sequence and biophysical properties (such as structural, functional, and spatial information, amino acid conservation, physicochemical variation, residue mobility, and thermodynamic stability) has been performed at Invitae for this missense variant, however the output from this modeling did not meet the statistical confidence thresholds required to predict the impact of this variant on PCDH19 protein function. In summary, the available evidence is currently insufficient to determine the role of this variant in disease. Therefore, it has been classified as a Variant of Uncertain Significance.

NM_001184880.2(PCDH19):c.1481C>T (p.Pro494Leu)

Gene: PCDH19 (protocadherin 19; minus strand). Cytogenetic location: Xq22.1.
Variant type: single nucleotide variant.
Coding change: c.1481C>T on transcript NM_001184880.2 (MANE Select); coding-DNA position 1481, C replaced by T.
Protein change: p.Pro494Leu; replaces proline 494 with leucine.
Molecular consequence: missense variant.
Genome position (GRCh38, 1-based): chrX:100,407,117, G>A on the plus strand (C>T on the coding strand, the complement: PCDH19 is on the minus strand). VCF-style: chrX-100407117-G-A. GRCh37 (hg19) VCF-style: chrX-99662115-G-A.
Other names: c.1481C>T, p.Pro494Leu (NM_001105243.2, NM_020766.3); short protein forms P494L.
Identifiers: ClinVar variation 2898738 (VCV002898738.3), dbSNP rs1344305851, ClinGen allele CA414002635.